The following is an entry in ClinVar:

ClinVar aggregate classification (germline): Uncertain significance (1 of 4 stars; one submission).

Submission:

Labcorp Genetics (formerly Invitae), Labcorp
Classification: Uncertain significance. Last evaluated: 2024-01-01. Review status: criteria provided, single submitter. Criteria: Invitae Variant Classification Sherloc (09022015). Collection method: clinical testing. Allele origin: unknown.
Comment: This variant is a gross deletion of the genomic region encompassing exon(s) 28-29 of the PCNT gene. This variant would be expected to be in-frame, preserving the integrity of the reading frame. This variant has not been reported in the literature in individuals affected with PCNT-related conditions. Experimental studies and prediction algorithms are not available or were not evaluated, and the functional significance of this variant is currently unknown. In summary, the available evidence is currently insufficient to determine the role of this variant in disease. Therefore, it has been classified as a Variant of Uncertain Significance.

NC_000021.8:g.(?_47831083)_(47832926_?)del

Gene: PCNT (pericentrin; plus strand). Cytogenetic location: 21q22.3.
Variant type: Deletion.
Identifiers: ClinVar variation 3248193 (VCV003248193.1).